The following is an entry in ClinVar:

ClinVar aggregate classification (germline): Likely benign. Review status: criteria provided, multiple submitters, no conflicts (2 of 4 stars). 5 submissions from 5 submitters: Likely benign (5). Last evaluated 2025-10-17.

Conditions:
BDP1-related disorder. Also called: BDP1-related condition.

Allele frequency attached by ClinVar (database versions not stated): TOPMed 0.00101; ESP Exome Variant Server 0.00111; gnomAD 0.00128; 1000 Genomes Project 0.00140; 1000 Genomes Project 30x 0.00156.
gnomAD v4.1: 270 of 1,595,376 alleles (0.017%); highest among the groups gnomAD compares: African/African-American, 0.3%; no homozygotes.

Submissions (5):

Ambry Genetics
Classification: Likely benign. Last evaluated: 2025-10-17. Review status: criteria provided, single submitter. Criteria: Ambry Variant Classification Scheme 2023. Collection method: clinical testing. Allele origin: germline.

PreventionGenetics, part of Exact Sciences
Classification: Likely benign for BDP1-related condition. Last evaluated: 2025-08-09. Review status: criteria provided, single submitter. Criteria: ACMG Guidelines, 2015. Collection method: clinical testing. Allele origin: germline.
Comment: This variant is classified as likely benign based on ACMG/AMP sequence variant interpretation guidelines (Richards et al. 2015 PMID: 25741868, with internal and published modifications).

Blueprint Genetics
Classification: Likely benign. Last evaluated: 2024-09-18. Review status: criteria provided, single submitter. Criteria: ACMG Guidelines, 2015. Collection method: clinical testing. Allele origin: germline.

GeneDx
Classification: Likely benign. Last evaluated: 2019-06-05. Review status: criteria provided, single submitter. Criteria: GeneDx Variant Classification Process June 2021. Collection method: clinical testing. Allele origin: germline. Affected: yes.

Breakthrough Genomics
Classification: Likely benign. Review status: criteria provided, single submitter. Criteria: ACMG Guidelines, 2015. Collection method: not provided. Allele origin: germline. Inheritance: Autosomal recessive inheritance. Affected: yes.

NM_018429.3(BDP1):c.4966G>A (p.Val1656Ile)

Gene: BDP1 (BDP1 general transcription factor IIIB subunit; plus strand). Cytogenetic location: 5q13.2.
Variant type: single nucleotide variant.
Coding change: c.4966G>A on transcript NM_018429.3 (MANE Select); coding-DNA position 4966, G replaced by A.
Protein change: p.Val1656Ile; replaces valine 1656 with isoleucine.
Molecular consequence: missense variant.
Genome position (GRCh38, 1-based): chr5:71,517,427, G>A. VCF-style: chr5-71517427-G-A. GRCh37 (hg19) VCF-style: chr5-70813254-G-A.
Other names: short protein forms V1656I.
Identifiers: ClinVar variation 682033 (VCV000682033.7), dbSNP rs35736161, ClinGen allele CA3296814.